The following is an entry in ClinVar:

ClinVar aggregate classification (germline): Uncertain significance (1 of 4 stars; one submission).

Conditions:
CHARGE syndrome (CHARGE). Also called: Hittner Hirsch Kreh syndrome; CHARGE ASSOCIATION--COLOBOMA, HEART ANOMALY, CHOANAL ATRESIA, RETARDATION, GENITAL AND EAR ANOMALIES; Coloboma, heart anomaly, choanal atresia, retardation, genital and ear anomalies; CHARGE association; Hall-Hittner syndrome. Identifiers: Orphanet 138, MedGen C0265354, MONDO:0008965.

Submission:

Labcorp Genetics (formerly Invitae), Labcorp
Classification: Uncertain significance for CHARGE syndrome. Last evaluated: 2025-09-25. Review status: criteria provided, single submitter. Criteria: Invitae Variant Classification Sherloc (09022015). Collection method: clinical testing. Allele origin: germline.
Comment: This sequence change creates a premature translational stop signal (p.Ile459Metfs*3) in the SEMA3E gene. It is expected to result in an absent or disrupted protein product. However, the current clinical and genetic evidence is not sufficient to establish whether loss-of-function variants in SEMA3E cause disease. This variant is not present in population databases (gnomAD no frequency). This variant has not been reported in the literature in individuals affected with SEMA3E-related conditions. In summary, the available evidence is currently insufficient to determine the role of this variant in disease. Therefore, it has been classified as a Variant of Uncertain Significance.

NM_012431.3(SEMA3E):c.1377del (p.Ile459fs)

Gene: SEMA3E (semaphorin 3E; minus strand). Cytogenetic location: 7q21.11.
Variant type: Deletion.
Coding change: c.1377del on transcript NM_012431.3 (MANE Select); coding-DNA position 1377, one base deleted (T; older notation c.1377delT).
Protein change: p.Ile459fs; shifts the reading frame from isoleucine 459.
Molecular consequence: frameshift variant.
Genome position (GRCh38, 1-based): chr7:83,396,719, A deleted on the plus strand (T on the coding strand, the reverse complement: SEMA3E is on the minus strand); the first of 2 consecutive A bases (chr7:83,396,719-83,396,720); deleting either gives the same sequence. VCF-style (leftmost placement, unchanged base first): chr7-83396718-CA-C. GRCh37 (hg19) VCF-style: chr7-83026034-CA-C.
Other names: c.1197del, p.Ile399fs (NM_001178129.2); short protein forms I399fs, I459fs.
Identifiers: ClinVar variation 4773605 (VCV004773605.1).